The following is an entry in ClinVar:

NM_001163435.3(TBCK):c.1042T>G (p.Ser348Ala)

Gene: TBCK (TBC1 domain containing kinase; minus strand). Cytogenetic location: 4q24.
Variant type: single nucleotide variant.
Coding change: c.1042T>G on transcript NM_001163435.3 (MANE Select); coding-DNA position 1042, T replaced by G.
Protein change: p.Ser348Ala; replaces serine 348 with alanine.
Molecular consequence: missense variant.
Genome position (GRCh38, 1-based): chr4:106,244,654, A>C on the plus strand (T>G on the coding strand, the complement: TBCK is on the minus strand). VCF-style: chr4-106244654-A-C. GRCh37 (hg19) VCF-style: chr4-107165811-A-C.
Other names: c.1042T>G, p.Ser348Ala (NM_001163436.4); c.925T>G, p.Ser309Ala (NM_001163437.3); c.526T>G, p.Ser176Ala (NM_001290768.2); c.853T>G, p.Ser285Ala (NM_033115.5); short protein forms S309A, S348A, S176A, S285A.
Identifiers: ClinVar variation 1414726 (VCV001414726.6), dbSNP rs766283521, ClinGen allele CA102841123.

ClinVar aggregate classification (germline): Uncertain significance (1 of 4 stars; one submission).

gnomAD v4.1: 23 of 1,611,512 alleles (0.0014%); highest among the groups gnomAD compares: Non-Finnish European, 0.002%; no homozygotes.

Submission:

Labcorp Genetics (formerly Invitae), Labcorp
Classification: Uncertain significance. Last evaluated: 2021-09-03. Review status: criteria provided, single submitter. Criteria: Invitae Variant Classification Sherloc (09022015). Collection method: clinical testing. Allele origin: germline.
Comment: This sequence change replaces serine with alanine at codon 348 of the TBCK protein (p.Ser348Ala). The serine residue is highly conserved and there is a moderate physicochemical difference between serine and alanine. This variant is not present in population databases (ExAC no frequency). This variant has not been reported in the literature in individuals affected with TBCK-related conditions. Algorithms developed to predict the effect of missense changes on protein structure and function are either unavailable or do not agree on the potential impact of this missense change (SIFT: "Deleterious"; PolyPhen-2: "Benign"; Align-GVGD: "Class C0"). In summary, the available evidence is currently insufficient to determine the role of this variant in disease. Therefore, it has been classified as a Variant of Uncertain Significance.